The following is an entry in ClinVar:

NM_001244926.2(PRPF4):c.1365G>T (p.Lys455Asn)

Gene: PRPF4 (pre-mRNA splicing tri-snRNP complex factor PRPF4; plus strand). Cytogenetic location: 9q32.
Variant type: single nucleotide variant.
Coding change: c.1365G>T on transcript NM_001244926.2 (MANE Select); coding-DNA position 1365, G replaced by T.
Protein change: p.Lys455Asn; replaces lysine 455 with asparagine.
Molecular consequence: missense variant. On other transcripts: non-coding transcript variant (2).
Genome position (GRCh38, 1-based): chr9:113,291,009, G>T. VCF-style: chr9-113291009-G-T. GRCh37 (hg19) VCF-style: chr9-116053289-G-T.
Other names: c.1368G>T (NM_004697.4); c.639G>T, p.Lys213Asn (NM_001322266.2, NM_001322267.2); c.1368G>T, p.Lys456Asn (NM_004697.5); short protein forms K213N, K455N, K456N.
Identifiers: ClinVar variation 2814225 (VCV002814225.4), dbSNP rs758869854, ClinGen allele CA5195156.

ClinVar aggregate classification (germline): Uncertain significance. Review status: criteria provided, multiple submitters, no conflicts (2 of 4 stars). 2 submissions from 2 submitters: Uncertain significance (2). Last evaluated 2025-01-22.

Allele frequency attached by ClinVar (database versions not stated): ExAC 0.00001.
gnomAD v4.1: 19 of 1,612,528 alleles (0.0012%); highest among the groups gnomAD compares: Non-Finnish European, 0.0016%; no homozygotes.

Submissions (2):

GeneDx
Classification: Uncertain significance. Last evaluated: 2025-01-22. Review status: criteria provided, single submitter. Criteria: GeneDx Variant Classification Process June 2021. Collection method: clinical testing. Allele origin: germline. Affected: yes.
Comment: Not observed at significant frequency in large population cohorts (gnomAD); In silico analysis supports that this missense variant has a deleterious effect on protein structure/function; Has not been previously published as pathogenic or benign to our knowledge

Labcorp Genetics (formerly Invitae), Labcorp
Classification: Uncertain significance. Last evaluated: 2023-06-25. Review status: criteria provided, single submitter. Criteria: Invitae Variant Classification Sherloc (09022015). Collection method: clinical testing. Allele origin: germline.
Comment: This sequence change replaces lysine, which is basic and polar, with asparagine, which is neutral and polar, at codon 456 of the PRPF4 protein (p.Lys456Asn). This variant is present in population databases (rs758869854, gnomAD 0.0009%). This variant has not been reported in the literature in individuals affected with PRPF4-related conditions. An algorithm developed to predict the effect of missense changes on protein structure and function (PolyPhen-2) suggests that this variant is likely to be disruptive. In summary, the available evidence is currently insufficient to determine the role of this variant in disease. Therefore, it has been classified as a Variant of Uncertain Significance.